The following is an entry in ClinVar:

ClinVar aggregate classification (germline): Uncertain significance (1 of 4 stars; one submission).

Conditions:
Cardiovascular phenotype. Identifiers: MedGen CN230736.

Allele frequency attached by ClinVar (database versions not stated): gnomAD exomes below 0.00001.

Submission:

Ambry Genetics
Classification: Uncertain significance for Cardiovascular phenotype. Last evaluated: 2023-04-28. Review status: criteria provided, single submitter. Criteria: Ambry Variant Classification Scheme 2023. Collection method: clinical testing. Allele origin: germline.
Comment: The p.T201I variant (also known as c.602C>T), located in coding exon 4 of the EPHB4 gene, results from a C to T substitution at nucleotide position 602. The threonine at codon 201 is replaced by isoleucine, an amino acid with similar properties. This amino acid position is conserved. In addition, this alteration is predicted to be tolerated by in silico analysis. Since supporting evidence is limited at this time, the clinical significance of this alteration remains unclear.

NM_004444.5(EPHB4):c.602C>T (p.Thr201Ile)

Gene: EPHB4 (EPH receptor B4; minus strand). Cytogenetic location: 7q22.1.
Variant type: single nucleotide variant.
Coding change: c.602C>T on transcript NM_004444.5 (MANE Select); coding-DNA position 602, C replaced by T.
Protein change: p.Thr201Ile; replaces threonine 201 with isoleucine.
Molecular consequence: missense variant.
Genome position (GRCh38, 1-based): chr7:100,822,477, G>A on the plus strand (C>T on the coding strand, the complement: EPHB4 is on the minus strand). VCF-style: chr7-100822477-G-A. GRCh37 (hg19) VCF-style: chr7-100420099-G-A.
Other names: short protein forms T201I.
Identifiers: ClinVar variation 2565148 (VCV002565148.2), dbSNP rs1562973568, ClinGen allele CA368581111.